The following is an entry in ClinVar:

NM_000202.8(IDS):c.39G>A (p.Leu13=)

Genes: IDS (iduronate 2-sulfatase; minus strand), LOC130068781 (ATAC-STARR-seq lymphoblastoid active region 30015; plus strand). Cytogenetic location: Xq28.
Variant type: single nucleotide variant.
Coding change: c.39G>A on transcript NM_000202.8 (MANE Select); coding-DNA position 39, G replaced by A.
Protein change: p.Leu13=; no amino-acid change (leucine 13 retained).
Molecular consequence: synonymous variant. On other transcripts: 5 prime UTR variant (1), non-coding transcript variant (1).
Genome position (GRCh38, 1-based): chrX:149,505,099, C>T on the plus strand (G>A on the coding strand, the complement: IDS is on the minus strand). VCF-style: chrX-149505099-C-T. GRCh37 (hg19) VCF-style: chrX-148586629-C-T.
Other names: c.-188G>A (NM_001166550.4); c.39G>A, p.Leu13= (NM_006123.5).
Identifiers: ClinVar variation 4984400 (VCV004984400.1).

ClinVar aggregate classification (germline): Uncertain significance (1 of 4 stars; one submission).

Conditions:
IDS-related disorder. Also called: IDS-related condition.

gnomAD v4.1: 29 of 1,204,385 alleles (0.0024%); highest among the groups gnomAD compares: Non-Finnish European, 0.0029%; no homozygotes.

Submission:

PreventionGenetics, part of Exact Sciences
Classification: Uncertain significance for IDS-related condition. Last evaluated: 2026-08-14. Review status: criteria provided, single submitter. Criteria: ACMG Guidelines, 2015. Collection method: clinical testing. Allele origin: germline.
Comment: The IDS c.39G>A variant is not predicted to result in an amino acid change (p.=). This variant is predicted to alter splicing based on available splicing prediction software (SpliceAI, Jaganathan et al. 2019. PubMed ID: 30661751). However, the use of computer prediction software is not equivalent to functional evidence. To our knowledge, this variant has not been reported in the literature. This variant is reported in 0.0013% of alleles in individuals of European (Non-Finnish) descent in gnomAD. At this time, the clinical significance of this variant is uncertain due to the absence of conclusive functional and genetic evidence.